The following is an entry in ClinVar:

NM_001271696.3(ABCB7):c.1162G>A (p.Gly388Ser)

Gene: ABCB7 (ATP binding cassette subfamily B member 7; minus strand). Cytogenetic location: Xq13.3.
Variant type: single nucleotide variant.
Coding change: c.1162G>A on transcript NM_001271696.3 (MANE Select); coding-DNA position 1162, G replaced by A.
Protein change: p.Gly388Ser; replaces glycine 388 with serine.
Molecular consequence: missense variant.
Genome position (GRCh38, 1-based): chrX:75,071,554, C>T on the plus strand (G>A on the coding strand, the complement: ABCB7 is on the minus strand). VCF-style: chrX-75071554-C-T. GRCh37 (hg19) VCF-style: chrX-74291389-C-T.
Other names: c.1042G>A, p.Gly348Ser (NM_001271697.3); c.1084G>A, p.Gly362Ser (NM_001271698.3); c.1045G>A, p.Gly349Ser (NM_001271699.3); c.1165G>A, p.Gly389Ser (NM_004299.6); short protein forms G389S, G388S, G348S, G349S, G362S.
Identifiers: ClinVar variation 450083 (VCV000450083.1), dbSNP rs1555945011, ClinGen allele CA413676345.
Genomic context (GRCh38, chrX:75,071,554, plus strand): 5'-CCACAGACTCATTACCTGCCACAATTCCCTGACTGGCGAGCACCATTATAGCTGTTAAAC[C>T]GACACTGAAAATAGCACTTTGACCAAAGTTCAGCATAGCCAGAGTAGAGGTACTTTTCAA-3'
Protein context (NP_001258625.1, residues 378-398): NFGQSAIFSV[Gly388Ser]LTAIMVLASQ

ClinVar aggregate classification (germline): Likely pathogenic (1 of 4 stars; one submission).

Submission:

GeneDx
Classification: Likely pathogenic. Last evaluated: 2017-06-21. Review status: criteria provided, single submitter. Criteria: GeneDx Variant Classification (06012015). Collection method: clinical testing. Allele origin: germline. Affected: yes.
Comment: The G389S variant in the ABCB7 gene has not been reported previously as a pathogenic variant, nor as a benign variant, to our knowledge. The G389S variant is not observed in large population cohorts (Lek et al., 2016; 1000 Genomes Consortium et al., 2015; Exome Variant Server). The G389S variant is a non-conservative amino acid substitution, which is likely to impact secondary protein structure as these residues differ in polarity, charge, size and/or other properties. This substitution occurs at a position that is conserved across species. Although in silico analysis is inconsistent in its predictions as to whether or not the variant is damaging to the protein structure/function, the majority predict a damaging effect. We interpret G389S as a likely pathogenic variant.